The following is an entry in ClinVar:

NM_020949.3(SLC7A14):c.540G>A (p.Leu180=)

Genes: SLC7A14-AS1 (SLC7A14 antisense RNA 1; plus strand), SLC7A14 (solute carrier family 7 member 14; minus strand). Cytogenetic location: 3q26.2.
Variant type: single nucleotide variant.
Coding change: c.540G>A on transcript NM_020949.3 (MANE Select); coding-DNA position 540, G replaced by A.
Protein change: p.Leu180=; no amino-acid change (leucine 180 retained).
Molecular consequence: synonymous variant.
Genome position (GRCh38, 1-based): chr3:170,501,110, C>T on the plus strand (G>A on the coding strand, the complement: SLC7A14 is on the minus strand). VCF-style: chr3-170501110-C-T. GRCh37 (hg19) VCF-style: chr3-170218899-C-T.
Identifiers: ClinVar variation 1502790 (VCV001502790.8), dbSNP rs1712592610, ClinGen allele CA436969553.

ClinVar aggregate classification (germline): Uncertain significance (1 of 4 stars; one submission).

Allele frequency attached by ClinVar (database versions not stated): gnomAD exomes below 0.00001; gnomAD 0.00001.
gnomAD v4.1: 2 of 1,614,040 alleles (0.00012%); highest among the groups gnomAD compares: Admixed American, 0.0033%; no homozygotes.

Submission:

Labcorp Genetics (formerly Invitae), Labcorp
Classification: Uncertain significance. Last evaluated: 2025-06-04. Review status: criteria provided, single submitter. Criteria: Invitae Variant Classification Sherloc (09022015). Collection method: clinical testing. Allele origin: germline.
Comment: This sequence change affects codon 180 of the SLC7A14 mRNA. It is a 'silent' change, meaning that it does not change the encoded amino acid sequence of the SLC7A14 protein. It affects a nucleotide within the consensus splice site. This variant is not present in population databases (gnomAD no frequency). This variant has not been reported in the literature in individuals affected with SLC7A14-related conditions. ClinVar contains an entry for this variant (Variation ID: 1502790). Algorithms developed to predict the effect of sequence changes on RNA splicing suggest that this variant is not likely to affect RNA splicing. In summary, the available evidence is currently insufficient to determine the role of this variant in disease. Therefore, it has been classified as a Variant of Uncertain Significance.